The following is an entry in ClinVar:

ClinVar aggregate classification (germline): Uncertain significance (1 of 4 stars; one submission).

Conditions:
Bethlem myopathy 1A. Also called: Bethlem myopathy 1; MYOPATHY, BENIGN CONGENITAL, WITH CONTRACTURES; Bethlem Muscular Dystrophy. Identifiers: Orphanet 610, MedGen CN029274, MONDO:0024530, OMIM 158810.

gnomAD v4.1: 2 of 1,612,910 alleles (0.00012%); highest among the groups gnomAD compares: Non-Finnish European, 0.00017%; no homozygotes.

Submission:

Labcorp Genetics (formerly Invitae), Labcorp
Classification: Uncertain significance for Bethlem myopathy 1A. Last evaluated: 2024-06-20. Review status: criteria provided, single submitter. Criteria: Invitae Variant Classification Sherloc (09022015). Collection method: clinical testing. Allele origin: germline.
Comment: This sequence change replaces isoleucine, which is neutral and non-polar, with valine, which is neutral and non-polar, at codon 639 of the COL6A2 protein (p.Ile639Val). This variant is not present in population databases (gnomAD no frequency). This variant has not been reported in the literature in individuals affected with COL6A2-related conditions. Advanced modeling of protein sequence and biophysical properties (such as structural, functional, and spatial information, amino acid conservation, physicochemical variation, residue mobility, and thermodynamic stability) performed at Invitae indicates that this missense variant is not expected to disrupt COL6A2 protein function with a negative predictive value of 80%. In summary, the available evidence is currently insufficient to determine the role of this variant in disease. Therefore, it has been classified as a Variant of Uncertain Significance.

NM_001849.4(COL6A2):c.1915A>G (p.Ile639Val)

Gene: COL6A2 (collagen type VI alpha 2 chain; plus strand). Cytogenetic location: 21q22.3.
Variant type: single nucleotide variant.
Coding change: c.1915A>G on transcript NM_001849.4 (MANE Select); coding-DNA position 1915, A replaced by G.
Protein change: p.Ile639Val; replaces isoleucine 639 with valine.
Molecular consequence: missense variant.
Genome position (GRCh38, 1-based): chr21:46,125,563, A>G. VCF-style: chr21-46125563-A-G. GRCh37 (hg19) VCF-style: chr21-47545477-A-G.
Other names: c.1915A>G, p.Ile639Val (NM_058174.3, NM_058175.3); short protein forms I639V.
Identifiers: ClinVar variation 3635766 (VCV003635766.2).